The following is an entry in ClinVar:

NM_004984.4(KIF5A):c.865C>T (p.Gln289Ter)

Gene: KIF5A (kinesin family member 5A; plus strand). Cytogenetic location: 12q13.3.
Variant type: single nucleotide variant.
Coding change: c.865C>T on transcript NM_004984.4 (MANE Select); coding-DNA position 865, C replaced by T.
Protein change: p.Gln289Ter; replaces glutamine 289 with a stop codon.
Molecular consequence: nonsense.
Genome position (GRCh38, 1-based): chr12:57,569,301, C>T. VCF-style: chr12-57569301-C-T. GRCh37 (hg19) VCF-style: chr12-57963084-C-T.
Other names: c.598C>T, p.Gln200Ter (NM_001354705.2); short protein forms Q200*, Q289*.
Identifiers: ClinVar variation 1709015 (VCV001709015.2), dbSNP rs2540499842, ClinGen allele CA385500597.

ClinVar aggregate classification (germline): Uncertain significance (1 of 4 stars; one submission).

Conditions:
Hereditary spastic paraplegia 10 (SPG10). Also called: SPASTIC PARAPLEGIA 10, AUTOSOMAL DOMINANT; SPASTIC PARAPLEGIA 10 WITH OR WITHOUT PERIPHERAL NEUROPATHY; SPASTIC PARAPLEGIA 10 WITH PERIPHERAL NEUROPATHY. Identifiers: Orphanet 100991, MedGen C1858712, MONDO:0011408, OMIM 604187.

Allele frequency attached by ClinVar (database versions not stated): gnomAD exomes below 0.00001.
gnomAD v4.1: 1 of 1,613,892 alleles (0.000062%); highest among the groups gnomAD compares: Non-Finnish European, 0.000085%; no homozygotes.

Submission:

MGZ Medical Genetics Center
Classification: Uncertain significance for Hereditary spastic paraplegia 10. Last evaluated: 2021-12-06. Review status: criteria provided, single submitter. Criteria: ACMG Guidelines, 2015. Collection method: clinical testing. Allele origin: germline. Affected: yes. Observed: 1 variant allele.
Comment: ACMG criteria applied: PVS1_SUP, PM2_SUP